The following is an entry in ClinVar:

NM_001364905.1(LRBA):c.4801C>T (p.Arg1601Ter)

Gene: LRBA (LPS responsive beige-like anchor protein; minus strand). Cytogenetic location: 4q31.3.
Variant type: single nucleotide variant.
Coding change: c.4801C>T on transcript NM_001364905.1 (MANE Select); coding-DNA position 4801, C replaced by T.
Protein change: p.Arg1601Ter; replaces arginine 1601 with a stop codon.
Molecular consequence: nonsense.
Genome position (GRCh38, 1-based): chr4:150,828,550, G>A on the plus strand (C>T on the coding strand, the complement: LRBA is on the minus strand). VCF-style: chr4-150828550-G-A. GRCh37 (hg19) VCF-style: chr4-151749702-G-A.
Other names: c.4801C>T, p.Arg1601Ter (NM_001199282.3, NM_001367550.1, NM_006726.5); short protein forms R1601*.
Identifiers: ClinVar variation 618203 (VCV000618203.14), dbSNP rs1484948342, ClinGen allele CA358444671.
Genomic context (GRCh38, chr4:150,828,550, plus strand): 5'-CTTCCACATGGCTTCCTAAACCAGTGGCTGTTTCTTCCCCAATGCCTGAGTCCCTCCTTC[G>A]AGCAGATGATGTGCTTTCAGATTCTTCCACTGATGCCGTAGTTAAAGTGCTGAATGCTGC-3'

ClinVar aggregate classification (germline): Pathogenic/Likely pathogenic. Review status: criteria provided, multiple submitters, no conflicts (2 of 4 stars). 3 submissions from 3 submitters: Pathogenic (1); Likely pathogenic (2). Last evaluated 2025-07-10.

Conditions:
Combined immunodeficiency due to LRBA deficiency. Also called: Common variable immunodeficiency 8, with autoimmunity. Identifiers: Orphanet 445018, MedGen C3553512, MONDO:0013863, OMIM 614700.

Allele frequency attached by ClinVar (database versions not stated): TOPMed 0.00001.
gnomAD v4.1: 2 of 1,614,004 alleles (0.00012%); highest among the groups gnomAD compares: Non-Finnish European, 0.00017%; no homozygotes.

Submissions (3):

Labcorp Genetics (formerly Invitae), Labcorp
Classification: Pathogenic for Combined immunodeficiency due to LRBA deficiency. Last evaluated: 2025-07-10. Review status: criteria provided, single submitter. Criteria: Invitae Variant Classification Sherloc (09022015). Collection method: clinical testing. Allele origin: germline.
Comment: This sequence change creates a premature translational stop signal (p.Arg1601*) in the LRBA gene. It is expected to result in an absent or disrupted protein product. Loss-of-function variants in LRBA are known to be pathogenic (PMID: 26206937, 26768763). This variant is not present in population databases (gnomAD no frequency). This premature translational stop signal has been observed in individual(s) with pediatric respiratory disease (PMID: 33942430). ClinVar contains an entry for this variant (Variation ID: 618203). For these reasons, this variant has been classified as Pathogenic.

Beijing Key Laboratry for Genetics of Birth Defects, Beijing Children's Hospital
Classification: Likely pathogenic for Combined immunodeficiency due to LRBA deficiency. Last evaluated: 2020-12-20. Review status: criteria provided, single submitter. Criteria: ACMG Guidelines, 2015. Collection method: clinical testing. Allele origin: germline. Affected: yes. Observed: 1 variant allele.

ARUP Laboratories, Molecular Genetics and Genomics, ARUP Laboratories
Classification: Likely pathogenic. Last evaluated: 2018-01-30. Review status: criteria provided, single submitter. Criteria: ARUP Molecular Germline Variant Investigation Process. Collection method: clinical testing. Allele origin: germline.
Comment: The LRBA c.4801C>T; p.Arg1601Ter variant, to our knowledge, is not reported in the medical literature, gene specific variation databases, nor has it been previously identified by our laboratory. However, this variant causes a premature termination signal in codon 1601 and is predicted to result in a truncated or absent protein product. At least 11 other premature stop codon variants in this gene, including one in the nearby codon 1605, have been reported in patients with immune system disorders, indicating that loss of LRBA function is a common disease mechanism (Alkhairy 2016). This variant is absent from the general population databases (1000 Genomes Project, Exome Variant Server, Genome Aggregation Database). Based on the available information, the p.Arg1601Ter variant is likely to be pathogenic.

Literature cited by the submitters: PubMed 26206937 (cited by Labcorp Genetics (formerly Invitae), Labcorp); PubMed 26768763 (cited by Labcorp Genetics (formerly Invitae), Labcorp); PubMed 33942430 (cited by Labcorp Genetics (formerly Invitae), Labcorp).